The following is an entry in ClinVar:

NM_003482.4(KMT2D):c.3458T>G (p.Val1153Gly)

Genes: KMT2D (lysine methyltransferase 2D; minus strand), LOC126861520 (CDK7 strongly-dependent group 2 enhancer GRCh37_chr12:49442744-49443943; plus strand). Cytogenetic location: 12q13.12.
Variant type: single nucleotide variant.
Coding change: c.3458T>G on transcript NM_003482.4 (MANE Select); coding-DNA position 3458, T replaced by G.
Protein change: p.Val1153Gly; replaces valine 1153 with glycine.
Molecular consequence: missense variant.
Genome position (GRCh38, 1-based): chr12:49,050,130, A>C on the plus strand (T>G on the coding strand, the complement: KMT2D is on the minus strand). VCF-style: chr12-49050130-A-C. GRCh37 (hg19) VCF-style: chr12-49443913-A-C.
Other names: short protein forms V1153G.
Identifiers: ClinVar variation 4799644 (VCV004799644.1).
Genomic context (GRCh38, chr12:49,050,130, plus strand): 5'-TTGCATTCGGGGTAGACCTCCATAGGGGTCACAGGGGCCAGCTCCTCGGGGTCCAGGAGC[A>C]CAGGGGAGCCTTTAAGTTCACTAGCCAAACTGCCAGGGGTCTGTCCAGGCTCTGGCTGTG-3'
Protein context (NP_003473.3, residues 1143-1163): SLASELKGSP[Val1153Gly]LLDPEELAPV

ClinVar aggregate classification (germline): Uncertain significance (1 of 4 stars; one submission).

Conditions:
Kabuki syndrome. Also called: NIIKAWA-KUROKI SYNDROME; Kabuki make-up syndrome. Identifiers: Orphanet 2322, MedGen C0796004, MONDO:0016512.

Submission:

Labcorp Genetics (formerly Invitae), Labcorp
Classification: Uncertain significance for Kabuki syndrome. Last evaluated: 2025-09-17. Review status: criteria provided, single submitter. Criteria: Invitae Variant Classification Sherloc (09022015). Collection method: clinical testing. Allele origin: germline.
Comment: This sequence change replaces valine, which is neutral and non-polar, with glycine, which is neutral and non-polar, at codon 1153 of the KMT2D protein (p.Val1153Gly). This variant is not present in population databases (gnomAD no frequency). This variant has not been reported in the literature in individuals affected with KMT2D-related conditions. Invitae Evidence Modeling of protein sequence and biophysical properties (such as structural, functional, and spatial information, amino acid conservation, physicochemical variation, residue mobility, and thermodynamic stability) indicates that this missense variant is not expected to disrupt KMT2D protein function with a negative predictive value of 95%. In summary, the available evidence is currently insufficient to determine the role of this variant in disease. Therefore, it has been classified as a Variant of Uncertain Significance.